The following is an entry in ClinVar:

ClinVar aggregate classification (germline): Uncertain significance. Review status: criteria provided, single submitter (1 of 4 stars). 2 submissions from 2 submitters: Uncertain significance (1). 1 of the submissions does not count toward it. Last evaluated 2021-07-20.

Conditions:
Inborn genetic diseases. Identifiers: MedGen C0950123, MeSH D030342.
ASXL3-related disorder. Also called: ASXL3-related condition. Identifiers: MedGen CN381524.

gnomAD v4.1: 25 of 1,530,918 alleles (0.0016%); highest among the groups gnomAD compares: Middle Eastern, 0.038%; no homozygotes.

Submissions (2):

Ambry Genetics
Classification: Uncertain significance for Inborn genetic diseases. Last evaluated: 2021-07-20. Review status: criteria provided, single submitter. Criteria: Ambry Variant Classification Scheme 2023. Collection method: clinical testing. Allele origin: germline.

PreventionGenetics, part of Exact Sciences
Classification: Likely benign for ASXL3-related condition. Last evaluated: 2023-09-26. Review status: no assertion criteria provided. Collection method: clinical testing. Allele origin: germline. Not counted in ClinVar's aggregate classification.
Comment: This variant is classified as likely benign based on ACMG/AMP sequence variant interpretation guidelines (Richards et al. 2015 PMID: 25741868, with internal and published modifications).

NM_030632.3(ASXL3):c.6107C>T (p.Pro2036Leu)

Gene: ASXL3 (ASXL transcriptional regulator 3; plus strand). Cytogenetic location: 18q12.1.
Variant type: single nucleotide variant.
Coding change: c.6107C>T on transcript NM_030632.3 (MANE Select); coding-DNA position 6107, C replaced by T.
Protein change: p.Pro2036Leu; replaces proline 2036 with leucine.
Molecular consequence: missense variant.
Genome position (GRCh38, 1-based): chr18:33,745,955, C>T. VCF-style: chr18-33745955-C-T. GRCh37 (hg19) VCF-style: chr18-31325919-C-T.
Other names: c.6107C>T (NM_030632.2); short protein forms P2036L.
Identifiers: ClinVar variation 2231722 (VCV002231722.4), dbSNP rs778714083, ClinGen allele CA8934566.